The following is an entry in ClinVar:

ClinVar aggregate classification (germline): Uncertain significance (1 of 4 stars; one submission).

Conditions:
KIDINS220-related disorder. Also called: KIDINS220-related condition.

Submission:

PreventionGenetics, part of Exact Sciences
Classification: Uncertain significance for KIDINS220-related condition. Last evaluated: 2025-10-08. Review status: criteria provided, single submitter. Criteria: ACMG Guidelines, 2015. Collection method: clinical testing. Allele origin: germline.
Comment: The KIDINS220 c.1985T>C variant is predicted to result in the amino acid substitution p.Ile662Thr. To our knowledge, this variant has not been reported in the literature or in a large population database (gnomAD), indicating this variant is rare. At this time, the clinical significance of this variant is uncertain due to the absence of conclusive functional and genetic evidence.

NM_020738.4(KIDINS220):c.1985T>C (p.Ile662Thr)

Gene: KIDINS220 (kinase D interacting substrate 220; minus strand). Cytogenetic location: 2p25.1.
Variant type: single nucleotide variant.
Coding change: c.1985T>C on transcript NM_020738.4 (MANE Select); coding-DNA position 1985, T replaced by C.
Protein change: p.Ile662Thr; replaces isoleucine 662 with threonine.
Molecular consequence: missense variant. On other transcripts: non-coding transcript variant (2).
Genome position (GRCh38, 1-based): chr2:8,785,985, A>G on the plus strand (T>C on the coding strand, the complement: KIDINS220 is on the minus strand). VCF-style: chr2-8785985-A-G. GRCh37 (hg19) VCF-style: chr2-8926115-A-G.
Other names: c.1988T>C, p.Ile663Thr (NM_001348729.2, NM_001348731.2, NM_001348734.2 and 3 more transcripts); c.1985T>C, p.Ile662Thr (NM_001348732.2, NM_001348735.2, NM_001348738.2 and 3 more transcripts); c.1859T>C, p.Ile620Thr (NM_001348736.2); short protein forms I663T, I620T, I662T.
Identifiers: ClinVar variation 4985354 (VCV004985354.1).